The following is an entry in ClinVar:

NM_001330195.2(NRXN3):c.4120G>A (p.Glu1374Lys)

Gene: NRXN3 (neurexin 3; plus strand). Cytogenetic location: 14q31.1.
Variant type: single nucleotide variant.
Coding change: c.4120G>A on transcript NM_001330195.2 (MANE Select); coding-DNA position 4120, G replaced by A.
Protein change: p.Glu1374Lys; replaces glutamic acid 1374 with lysine.
Molecular consequence: missense variant. On other transcripts: non-coding transcript variant (5), intron variant (4).
Genome position (GRCh38, 1-based): chr14:79,861,368, G>A. VCF-style: chr14-79861368-G-A. GRCh37 (hg19) VCF-style: chr14-80327711-G-A.
Other names: c.1318G>A, p.Glu440Lys (NM_001272020.2); c.4030G>A, p.Glu1344Lys (NM_001366425.1); c.4106-295G>A (NM_001366426.1); c.2885-295G>A (NM_004796.6); c.1079-295G>A (NM_001105250.3); c.998-295G>A (NM_138970.5); short protein forms E1344K, E1374K, E440K.
Identifiers: ClinVar variation 4885821 (VCV004885821.2).
Genomic context (GRCh38, chr14:79,861,368, plus strand): 5'-GAAGATTTTTACACCACCTTCTCCTTGGTAACAGATAAGAGTCTTTCCACTTCAATCTTC[G>A]AAGGTGGCTACAAAGCACATGCGCCCAAGTGGGAATCCAAGGACTTTAGACCTAACAAAG-3'
Protein context (NP_001317124.1, residues 1364-1384): TDKSLSTSIF[Glu1374Lys]GGYKAHAPKW

ClinVar aggregate classification (germline): Uncertain significance (1 of 4 stars; one submission).

gnomAD v4.1: 1 of 1,535,998 alleles (0.000065%); highest among the groups gnomAD compares: Non-Finnish European, 0.000087%; no homozygotes.

Submission:

Dasa
Classification: Uncertain significance. Last evaluated: 2025-06-07. Review status: criteria provided, single submitter. Criteria: DASA Assertion Criteria. Collection method: clinical testing. Allele origin: germline.
Comment: NM_001330195.2(NRXN3):c.4120G>A (p.Glu1374Lys) is a missense variant that results in the substitution of glutamic acid with lysine. This variant is rare in population databases. Computational prediction algorithms are consistent with a benign effect. The currently available literature and clinical evidence are not sufficient to establish a definitive association between this variant and the reported condition. Therefore, this variant is classified as a variant of uncertain significance.